The following is an entry in ClinVar:

ClinVar aggregate classification (germline): Uncertain significance (1 of 4 stars; one submission).

Conditions:
Growth hormone insensitivity with immune dysregulation 1, autosomal recessive. Also called: GROWTH HORMONE INSENSITIVITY DUE TO POSTRECEPTOR DEFECT; LARON SYNDROME DUE TO POSTRECEPTOR DEFECT; GROWTH HORMONE INSENSITIVITY SYNDROME WITH IMMUNE DYSREGULATION 1, AUTOSOMAL RECESSIVE; Laron syndrome with immunodeficiency. Identifiers: Orphanet 220465, MedGen C5435698, MONDO:0100211, OMIM 245590.

Allele frequency attached by ClinVar (database versions not stated): gnomAD exomes below 0.00001; gnomAD 0.00001; TOPMed 0.00001.

Submission:

Labcorp Genetics (formerly Invitae), Labcorp
Classification: Uncertain significance for Growth hormone insensitivity with immune dysregulation 1, autosomal recessive. Last evaluated: 2018-11-06. Review status: criteria provided, single submitter. Criteria: Invitae Variant Classification Sherloc (09022015). Collection method: clinical testing. Allele origin: germline.
Comment: This sequence change replaces arginine with cysteine at codon 107 of the STAT5B protein (p.Arg107Cys). The arginine residue is highly conserved and there is a large physicochemical difference between arginine and cysteine. In summary, the available evidence is currently insufficient to determine the role of this variant in disease. Therefore, it has been classified as a Variant of Uncertain Significance. Algorithms developed to predict the effect of missense changes on protein structure and function do not agree on the potential impact of this missense change (SIFT: "Tolerated"; PolyPhen-2: "Possibly Damaging"; Align-GVGD: "Class C15"). This variant has not been reported in the literature in individuals with STAT5B-related disease. This variant is not present in population databases (ExAC no frequency).

NM_012448.4(STAT5B):c.319C>T (p.Arg107Cys)

Gene: STAT5B (signal transducer and activator of transcription 5B; minus strand). Cytogenetic location: 17q21.2.
Variant type: single nucleotide variant.
Coding change: c.319C>T on transcript NM_012448.4 (MANE Select); coding-DNA position 319, C replaced by T.
Protein change: p.Arg107Cys; replaces arginine 107 with cysteine.
Molecular consequence: missense variant.
Genome position (GRCh38, 1-based): chr17:42,224,835, G>A on the plus strand (C>T on the coding strand, the complement: STAT5B is on the minus strand). VCF-style: chr17-42224835-G-A. GRCh37 (hg19) VCF-style: chr17-40376853-G-A.
Other names: short protein forms R107C.
Identifiers: ClinVar variation 534576 (VCV000534576.10), dbSNP rs1177773526, ClinGen allele CA399590888.